The following is an entry in ClinVar:

NM_182641.4(BPTF):c.81GCC[5] (p.Pro31_Thr32insPro)

Gene: BPTF (bromodomain PHD finger transcription factor; plus strand). Cytogenetic location: 17q24.2.
Variant type: Microsatellite.
Coding change: c.81GCC[5] on transcript NM_182641.4 (MANE Select); five copies in a row of the 3-base unit GCC starting at c.81; the reference has four copies in a row; one copy, 3 bases duplicated.
Protein change: p.Pro31_Thr32insPro.
Genome position (GRCh38, 1-based): chr17:67,825,814-67,825,816, GCC duplicated; duplicating any 3 consecutive bases within chr17:67,825,803-67,825,816 gives the same sequence; the position shown is the placement nearest the transcript's 3' end. VCF-style (leftmost placement, unchanged base first): chr17-67825802-A-ACCG. GRCh37 (hg19) VCF-style: chr17-65821918-A-ACCG.
Other names: c.81GCC[5], p.Pro31_Thr32insPro (NM_004459.7).
Identifiers: ClinVar variation 3699493 (VCV003699493.2).

ClinVar aggregate classification (germline): Uncertain significance (1 of 4 stars; one submission).

Submission:

Labcorp Genetics (formerly Invitae), Labcorp
Classification: Uncertain significance. Last evaluated: 2025-11-11. Review status: criteria provided, single submitter. Criteria: Invitae Variant Classification Sherloc (09022015). Collection method: clinical testing. Allele origin: germline.
Comment: This variant, c.90_92dup, results in the insertion of 1 amino acid(s) of the BPTF protein (p.Pro31dup), but otherwise preserves the integrity of the reading frame. This variant is present in population databases (no rsID available, gnomAD 0.09%). This variant has not been reported in the literature in individuals affected with BPTF-related conditions. In summary, the available evidence is currently insufficient to determine the role of this variant in disease. Therefore, it has been classified as a Variant of Uncertain Significance.